The following is an entry in ClinVar:

NM_139242.4(MTFMT):c.1075C>T (p.Gln359Ter)

Gene: MTFMT (mitochondrial methionyl-tRNA formyltransferase; minus strand). Cytogenetic location: 15q22.31.
Variant type: single nucleotide variant.
Coding change: c.1075C>T on transcript NM_139242.4 (MANE Select); coding-DNA position 1075, C replaced by T.
Protein change: p.Gln359Ter; replaces glutamine 359 with a stop codon.
Molecular consequence: nonsense.
Genome position (GRCh38, 1-based): chr15:65,003,157, G>A on the plus strand (C>T on the coding strand, the complement: MTFMT is on the minus strand). VCF-style: chr15-65003157-G-A. GRCh37 (hg19) VCF-style: chr15-65295495-G-A.
Other names: short protein forms Q359*.
Identifiers: ClinVar variation 4852615 (VCV004852615.2).

ClinVar aggregate classification (germline): Likely pathogenic (1 of 4 stars; one submission).

Submission:

Dasa
Classification: Likely pathogenic. Last evaluated: 2025-12-01. Review status: criteria provided, single submitter. Criteria: DASA Assertion Criteria. Collection method: clinical testing. Allele origin: germline.
Comment: NM_139242.4(MTFMT):c.1075C>T (p.Gln359*) is a nonsense variant in MTFMT predicted to introduce a premature termination codon and is predicted to result in an absent or altered protein product. Loss of function is an established disease mechanism for MTFMT-associated disorders. Also, this variant is absent from population databases. Based on the currently available evidence, this variant is classified as likely pathogenic.